The following is an entry in ClinVar:

ClinVar aggregate classification (germline): no classifications from unflagged records (0 of 4 stars; one submission).

Conditions:
Autosomal dominant nonsyndromic hearing loss 69. Also called: Deafness, autosomal dominant 69; Deafness, autosomal dominant 69, unilateral or asymmetric. Identifiers: Orphanet 90635, MedGen C4225241, MONDO:0014738, OMIM 616697.

Submission:

OMIM
Classification: Pathogenic for DEAFNESS, AUTOSOMAL DOMINANT 69. Last evaluated: 2015-11-05. Review status: flagged submission. Collection method: literature only. Allele origin: germline.
ClinVar note: Notes: Flagging candidate with reason of insufficient supporting evidence. This gene has been classified as having a limited gene-disease relationship by a ClinGen Expert Panel.
ClinVar note: Reason: Other

Literature cited by the submitters: PubMed 26522471.

NM_000899.5(KITLG):c.286_303delinsT (p.Leu95_Ser96insTer)

Gene: KITLG (KIT ligand; minus strand). Cytogenetic location: 12q21.32.
Variant type: Indel.
Coding change: c.286_303delinsT on transcript NM_000899.5 (MANE Select); coding-DNA positions 286 to 303, AGTAATTATTCCATCATA replaced by T.
Protein change: p.Leu95_Ser96insTer.
Molecular consequence: nonsense.
Genome position (GRCh38, 1-based): chr12:88,518,757-88,518,774, TATGATGGAATAATTACT replaced by A on the plus strand (AGTAATTATTCCATCATA replaced by T on the coding strand, the reverse complement: KITLG is on the minus strand). VCF-style: chr12-88518757-TATGATGGAATAATTACT-A. GRCh37 (hg19) VCF-style: chr12-88912534-TATGATGGAATAATTACT-A.
Other names: c.286_303delinsT, p.Leu95_Ser96insTer (NM_003994.6).
Identifiers: ClinVar variation 218887 (VCV000218887.1), dbSNP rs864309653, ClinGen allele CA278764.